The following is an entry in ClinVar:

ClinVar aggregate classification (germline): Uncertain significance. Review status: criteria provided, multiple submitters, no conflicts (2 of 4 stars). 7 submissions from 7 submitters: Uncertain significance (7). Last evaluated 2026-08-11.

Conditions:
Cardiovascular phenotype. Identifiers: MedGen CN230736.
Hereditary cancer-predisposing syndrome. Also called: Tumor predisposition; Hereditary neoplastic syndrome; Neoplastic Syndromes, Hereditary; Hereditary Cancer Syndrome. Identifiers: Orphanet 140162, MedGen C0027672, MeSH D009386, MONDO:0015356.
LZTR1-related disorder. Also called: LZTR1-related disorders; LZTR1-related condition.
LZTR1-related schwannomatosis. Also called: Schwannomatosis 2; Schwannomatosis-2, susceptibility to. Identifiers: Orphanet 93921, MedGen C3810283, MONDO:0014299, OMIM 615670.

Allele frequency attached by ClinVar (database versions not stated): ExAC 0.00001; gnomAD 0.00001 and 0.00002; gnomAD exomes 0.00001 and 0.00003; TOPMed 0.00003.
gnomAD v4.1: 43 of 1,613,122 alleles (0.0027%); highest among the groups gnomAD compares: African/African-American, 0.0053%; no homozygotes.

Submissions (7):

PreventionGenetics, part of Exact Sciences
Classification: Uncertain significance for LZTR1-related condition. Last evaluated: 2026-08-11. Review status: criteria provided, single submitter. Criteria: ACMG Guidelines, 2015. Collection method: clinical testing. Allele origin: germline.
Comment: The LZTR1 c.2368C>T variant is predicted to result in the amino acid substitution p.Arg790Trp. This variant has been reported in an individual with autism spectrum disorder (Stessman et al. 2017. PubMed ID: 28191889) and in an individual with congenital heart disease (Extended Data Set 4, Sierant et al. 2025. PubMed ID: 40127276). This variant is reported in 0.0040% of alleles in individuals of African descent in gnomAD and is interpreted as uncertain in ClinVar (Variation ID: 1017977). At this time, the clinical significance of this variant is uncertain due to the absence of conclusive functional and genetic evidence.

Labcorp Genetics (formerly Invitae), Labcorp
Classification: Uncertain significance. Last evaluated: 2025-12-19. Review status: criteria provided, single submitter. Criteria: Invitae Variant Classification Sherloc (09022015). Collection method: clinical testing. Allele origin: germline.
Comment: This sequence change replaces arginine, which is basic and polar, with tryptophan, which is neutral and slightly polar, at codon 790 of the LZTR1 protein (p.Arg790Trp). This variant is present in population databases (rs767637944, gnomAD 0.004%). This missense change has been observed in individual(s) with autism spectrum disorder (PMID: 28191889). ClinVar contains an entry for this variant (Variation ID: 1017977). Invitae Evidence Modeling of protein sequence and biophysical properties (such as structural, functional, and spatial information, amino acid conservation, physicochemical variation, residue mobility, and thermodynamic stability) indicates that this missense variant is not expected to disrupt LZTR1 protein function with a negative predictive value of 80%. In summary, the available evidence is currently insufficient to determine the role of this variant in disease. Therefore, it has been classified as a Variant of Uncertain Significance.

Ambry Genetics
Classification: Uncertain significance for Cardiovascular phenotype; Hereditary cancer-predisposing syndrome. Last evaluated: 2025-05-10. Review status: criteria provided, single submitter. Criteria: Ambry Variant Classification Scheme 2023. Collection method: clinical testing. Allele origin: germline.
Comment: The p.R790W variant (also known as c.2368C>T), located in coding exon 20 of the LZTR1 gene, results from a C to T substitution at nucleotide position 2368. The arginine at codon 790 is replaced by tryptophan, an amino acid with dissimilar properties. This amino acid position is well conserved in available vertebrate species. In addition, the in silico prediction for this alteration is inconclusive. Since supporting evidence is limited at this time, the clinical significance of this alteration remains unclear.

Women's Health and Genetics/Laboratory Corporation of America, LabCorp
Classification: Uncertain significance. Last evaluated: 2024-06-27. Review status: criteria provided, single submitter. Criteria: LabCorp Variant Classification Summary - May 2015. Collection method: clinical testing. Allele origin: germline.
Comment: Variant summary: LZTR1 c.2368C>T (p.Arg790Trp) results in a non-conservative amino acid change in the encoded protein sequence. Four of five in-silico tools predict a damaging effect of the variant on protein function. The variant allele was found at a frequency of 8e-06 in 250638 control chromosomes (gnomAD). The available data on variant occurrences in the general population are insufficient to allow any conclusion about variant significance. c.2368C>T has been reported in the literature in an individual affected with a neurodevelopmental disorder without clinical information (Stessman_2017). This report does not provide unequivocal conclusions about association of the variant with Noonan Syndrome. To our knowledge, no experimental evidence demonstrating an impact on protein function has been reported. The following publication has been ascertained in the context of this evaluation (PMID: 28191889). ClinVar contains an entry for this variant (Variation ID: 1017977). Based on the evidence outlined above, the variant was classified as uncertain significance.

GeneDx
Classification: Uncertain significance. Last evaluated: 2024-03-28. Review status: criteria provided, single submitter. Criteria: GeneDx Variant Classification Process June 2021. Collection method: clinical testing. Allele origin: germline. Affected: yes.
Comment: Not observed at a significant frequency in large population cohorts (gnomAD); In silico analysis supports that this missense variant has a deleterious effect on protein structure/function; Identified in an individual with autism spectrum disorder (PMID: 28191889); This variant is associated with the following publications: (PMID: 28191889)

Baylor Genetics
Classification: Uncertain significance for LZTR1-related schwannomatosis. Last evaluated: 2023-12-24. Review status: criteria provided, single submitter. Criteria: ACMG Guidelines, 2015. Collection method: clinical testing. Allele origin: unknown.

Centre of Medical Genetics, University Hospital Muenster
Classification: Uncertain significance. Last evaluated: 2021-12-16. Review status: criteria provided, single submitter. Criteria: ACMG Guidelines, 2015. Collection method: clinical testing. Allele origin: unknown. Affected: yes. Observed: 1 variant allele, 1 heterozygote.
Comment: ACMG categories: PM2,PP3

Literature cited by the submitters: PubMed 28191889 (cited by Labcorp Genetics (formerly Invitae), Labcorp and Women's Health and Genetics/Laboratory Corporation of America, LabCorp).

NM_006767.4(LZTR1):c.2368C>T (p.Arg790Trp)

Gene: LZTR1 (leucine zipper like post translational regulator 1; plus strand). Cytogenetic location: 22q11.21.
Variant type: single nucleotide variant.
Coding change: c.2368C>T on transcript NM_006767.4 (MANE Select); coding-DNA position 2368, C replaced by T.
Protein change: p.Arg790Trp; replaces arginine 790 with tryptophan.
Molecular consequence: missense variant.
Genome position (GRCh38, 1-based): chr22:20,996,928, C>T. VCF-style: chr22-20996928-C-T. GRCh37 (hg19) VCF-style: chr22-21351217-C-T.
Other names: short protein forms R790W.
Identifiers: ClinVar variation 1017977 (VCV001017977.18), dbSNP rs767637944, ClinGen allele CA10119377.